The following is an entry in ClinVar:

ClinVar aggregate classification (germline): Uncertain significance. Review status: criteria provided, multiple submitters, no conflicts (2 of 4 stars). 3 submissions from 3 submitters: Uncertain significance (3). Last evaluated 2025-04-24.

Conditions:
Hypertrophic cardiomyopathy 14. Identifiers: MedGen C2750467, MONDO:0013197, OMIM 613251.
Cardiovascular phenotype. Identifiers: MedGen CN230736.

Allele frequency attached by ClinVar (database versions not stated): TOPMed 0.00001; gnomAD 0.00003.
gnomAD v4.1: 14 of 1,608,350 alleles (0.00087%); highest among the groups gnomAD compares: East Asian, 0.016%; no homozygotes.

Submissions (3):

Labcorp Genetics (formerly Invitae), Labcorp
Classification: Uncertain significance for Hypertrophic cardiomyopathy 14. Last evaluated: 2025-04-24. Review status: criteria provided, single submitter. Criteria: Invitae Variant Classification Sherloc (09022015). Collection method: clinical testing. Allele origin: germline.
Comment: This sequence change replaces glutamic acid, which is acidic and polar, with lysine, which is basic and polar, at codon 1150 of the MYH6 protein (p.Glu1150Lys). This variant is present in population databases (rs760399050, gnomAD 0.02%). This variant has not been reported in the literature in individuals affected with MYH6-related conditions. ClinVar contains an entry for this variant (Variation ID: 191716). Invitae Evidence Modeling of protein sequence and biophysical properties (such as structural, functional, and spatial information, amino acid conservation, physicochemical variation, residue mobility, and thermodynamic stability) indicates that this missense variant is expected to disrupt MYH6 protein function with a positive predictive value of 80%. In summary, the available evidence is currently insufficient to determine the role of this variant in disease. Therefore, it has been classified as a Variant of Uncertain Significance.

Ambry Genetics
Classification: Uncertain significance for Cardiovascular phenotype. Last evaluated: 2022-03-08. Review status: criteria provided, single submitter. Criteria: Ambry Variant Classification Scheme 2023. Collection method: clinical testing. Allele origin: germline.
Comment: The p.E1150K variant (also known as c.3448G>A), located in coding exon 24 of the MYH6 gene, results from a G to A substitution at nucleotide position 3448. The glutamic acid at codon 1150 is replaced by lysine, an amino acid with similar properties. This alteration has been reported as a secondary cardiac variant in an exome cohort; however, clinical details are limited (Ng D et al. Circ Cardiovasc Genet, 2013 Aug;6:337-46). This amino acid position is highly conserved in available vertebrate species. In addition, the in silico prediction for this alteration is inconclusive. Since supporting evidence is limited at this time, the clinical significance of this alteration remains unclear.

Biesecker Lab/Clinical Genomics Section, National Institutes of Health
Classification: Uncertain significance. Last evaluated: 2013-06-24. Review status: criteria provided, single submitter. Criteria: Ng et al. (Circ Cardiovasc Genet. 2013). Collection method: research. Allele origin: unknown. Observed: 1 variant allele. Study: ClinSeq.
Comment: The study set was not selected for affection status in relation to any cancer. Pathogenicity categories were based on literature curation. See Pubmed ID:23861362 for details.

Medical sequencing

Literature cited by the submitters: PubMed 23861362 (cited by Ambry Genetics).

NM_002471.4(MYH6):c.3448G>A (p.Glu1150Lys)

Gene: MYH6 (myosin heavy chain 6; minus strand). Cytogenetic location: 14q11.2.
Variant type: single nucleotide variant.
Coding change: c.3448G>A on transcript NM_002471.4 (MANE Select); coding-DNA position 3448, G replaced by A.
Protein change: p.Glu1150Lys; replaces glutamic acid 1150 with lysine.
Molecular consequence: missense variant.
Genome position (GRCh38, 1-based): chr14:23,390,341, C>T on the plus strand (G>A on the coding strand, the complement: MYH6 is on the minus strand). VCF-style: chr14-23390341-C-T. GRCh37 (hg19) VCF-style: chr14-23859550-C-T.
Other names: short protein forms E1150K.
Identifiers: ClinVar variation 191716 (VCV000191716.12), dbSNP rs760399050, ClinGen allele CA237357.
Genomic context (GRCh38, chr14:23,390,341, plus strand): 5'-CGCGCTTCTTGTTCATCTCGATCTGCACGGACGTGGCCCCGCCGGCCTCTTCCAGCCGCT[C>T]GCTGATCTCCTCCAGCTCCCGAGACAGGTCTGAGCGCAGCTTCTCCACCTTAGCCCTGGC-3'
Protein context (NP_002462.2, residues 1140-1160): DLSRELEEIS[Glu1150Lys]RLEEAGGATS